The following is an entry in ClinVar:

NM_004329.3(BMPR1A):c.1521T>A (p.Asn507Lys)

Gene: BMPR1A (bone morphogenetic protein receptor type 1A; plus strand). Cytogenetic location: 10q23.2.
Variant type: single nucleotide variant.
Coding change: c.1521T>A on transcript NM_004329.3 (MANE Select); coding-DNA position 1521, T replaced by A.
Protein change: p.Asn507Lys; replaces asparagine 507 with lysine.
Molecular consequence: missense variant. On other transcripts: non-coding transcript variant (3).
Genome position (GRCh38, 1-based): chr10:86,923,641, T>A. VCF-style: chr10-86923641-T-A. GRCh37 (hg19) VCF-style: chr10-88683398-T-A.
Other names: c.1596T>A, p.Asn532Lys (NM_001406559.1); c.1569T>A, p.Asn523Lys (NM_001406560.1); c.1521T>A, p.Asn507Lys (NM_001406561.1, NM_001406562.1, NM_001406563.1 and 19 more transcripts); c.1179T>A, p.Asn393Lys (NM_001406589.1); c.1515T>A, p.Asn505Lys (NM_001406583.1); c.1437T>A, p.Asn479Lys (NM_001406584.1, NM_001406585.1, NM_001406586.1 and 2 more transcripts); short protein forms N393K, N479K, N507K, N505K, N523K, N532K.
Identifiers: ClinVar variation 3664755 (VCV003664755.2).

ClinVar aggregate classification (germline): Uncertain significance (1 of 4 stars; one submission).

Conditions:
Juvenile polyposis syndrome (JPS). Identifiers: Orphanet 2929, MedGen C0345893, MONDO:0017380, OMIM 174900.

Submission:

Labcorp Genetics (formerly Invitae), Labcorp
Classification: Uncertain significance for Juvenile polyposis syndrome. Last evaluated: 2024-11-30. Review status: criteria provided, single submitter. Criteria: Invitae Variant Classification Sherloc (09022015). Collection method: clinical testing. Allele origin: germline.
Comment: This sequence change replaces asparagine, which is neutral and polar, with lysine, which is basic and polar, at codon 507 of the BMPR1A protein (p.Asn507Lys). This variant is not present in population databases (gnomAD no frequency). This variant has not been reported in the literature in individuals affected with BMPR1A-related conditions. Invitae Evidence Modeling of protein sequence and biophysical properties (such as structural, functional, and spatial information, amino acid conservation, physicochemical variation, residue mobility, and thermodynamic stability) indicates that this missense variant is not expected to disrupt BMPR1A protein function with a negative predictive value of 80%. In summary, the available evidence is currently insufficient to determine the role of this variant in disease. Therefore, it has been classified as a Variant of Uncertain Significance.